The following is an entry in ClinVar:

NM_001211.6(BUB1B):c.2562T>G (p.Ile854Met)

Gene: BUB1B (BUB1 mitotic checkpoint serine/threonine kinase B; plus strand). Cytogenetic location: 15q15.1.
Variant type: single nucleotide variant.
Coding change: c.2562T>G on transcript NM_001211.6 (MANE Select); coding-DNA position 2562, T replaced by G.
Protein change: p.Ile854Met; replaces isoleucine 854 with methionine.
Molecular consequence: missense variant.
Genome position (GRCh38, 1-based): chr15:40,213,358, T>G. VCF-style: chr15-40213358-T-G. GRCh37 (hg19) VCF-style: chr15-40505559-T-G.
Other names: short protein forms I854M.
Identifiers: ClinVar variation 3262279 (VCV003262279.1).
Genomic context (GRCh38, chr15:40,213,358, plus strand): 5'-AGAAATAGTGAGTTTTCTGTCCTTCAATTTCCAGGATCTTCTCCAACACAGTGAATATAT[T>G]ACCCATGAAATAACAGTGTTGATTATTTATAACCTTTTGACAATAGTGGAGATGCTACAC-3'
Protein context (NP_001202.5, residues 844-864): LQDLLQHSEY[Ile854Met]THEITVLIIY

ClinVar aggregate classification (germline): Uncertain significance (1 of 4 stars; one submission).

Conditions:
Inborn genetic diseases. Identifiers: MedGen C0950123, MeSH D030342.

gnomAD v4.1: 5 of 1,613,818 alleles (0.00031%); highest among the groups gnomAD compares: Non-Finnish European, 0.00042%; no homozygotes.

Submission:

Ambry Genetics
Classification: Uncertain significance for Inborn genetic diseases. Last evaluated: 2024-06-14. Review status: criteria provided, single submitter. Criteria: Ambry Variant Classification Scheme 2023. Collection method: clinical testing. Allele origin: germline.
Comment: The p.I854M variant (also known as c.2562T>G), located in coding exon 20 of the BUB1B gene, results from a T to G substitution at nucleotide position 2562. The isoleucine at codon 854 is replaced by methionine, an amino acid with highly similar properties. This amino acid position is conserved. In addition, this alteration is predicted to be tolerated by in silico analysis. Based on the available evidence, the clinical significance of this variant remains unclear.